The following is an entry in ClinVar:

NM_006031.6(PCNT):c.934del (p.Arg312fs)

Gene: PCNT (pericentrin; plus strand). Cytogenetic location: 21q22.3.
Variant type: Deletion.
Coding change: c.934del on transcript NM_006031.6 (MANE Select); coding-DNA position 934, one base deleted (C; older notation c.934delC).
Protein change: p.Arg312fs; shifts the reading frame from arginine 312.
Molecular consequence: frameshift variant.
Genome position (GRCh38, 1-based): chr21:46,346,956, C deleted. VCF-style (leftmost placement, unchanged base first): chr21-46346955-AC-A. GRCh37 (hg19) VCF-style: chr21-47766869-AC-A.
Other names: c.580del, p.Arg194fs (NM_001315529.2); short protein forms R194fs, R312fs.
Identifiers: ClinVar variation 2715420 (VCV002715420.3), dbSNP rs2518057681, ClinGen allele CA2697547641.
Genomic context (GRCh38, chr21:46,346,955, plus strand): 5'-GCTGGCCCTGCTACAGAGCAGGCAGCAGCACGAGCTGGAGCTCCTCAGGGAGCAGCACGC[AC>A]GGGAGAAGGAGGAGGTGGTGCTCAGGTGTGGACAGGAAGCAGGTACTGCATGGCTAGGCG-3'

ClinVar aggregate classification (germline): Pathogenic (1 of 4 stars; one submission).

Submission:

Labcorp Genetics (formerly Invitae), Labcorp
Classification: Pathogenic. Last evaluated: 2023-06-14. Review status: criteria provided, single submitter. Criteria: Invitae Variant Classification Sherloc (09022015). Collection method: clinical testing. Allele origin: germline.
Comment: This variant is not present in population databases (gnomAD no frequency). For these reasons, this variant has been classified as Pathogenic. This variant has not been reported in the literature in individuals affected with PCNT-related conditions. This sequence change creates a premature translational stop signal (p.Arg312Glyfs*17) in the PCNT gene. It is expected to result in an absent or disrupted protein product. Loss-of-function variants in PCNT are known to be pathogenic (PMID: 18174396, 22821869).

Literature cited by the submitters: PubMed 18174396; PubMed 22821869.